The following is an entry in ClinVar:

ClinVar aggregate classification (germline): Uncertain significance (1 of 4 stars; one submission).

Conditions:
Cardiovascular phenotype. Identifiers: MedGen CN230736.

Allele frequency attached by ClinVar (database versions not stated): gnomAD exomes below 0.00001.
gnomAD v4.1: 1 of 1,614,092 alleles (0.000062%); highest among the groups gnomAD compares: Non-Finnish European, 0.000085%; no homozygotes.

Submission:

Ambry Genetics
Classification: Uncertain significance for Cardiovascular phenotype. Last evaluated: 2023-11-04. Review status: criteria provided, single submitter. Criteria: Ambry Variant Classification Scheme 2023. Collection method: clinical testing. Allele origin: germline.
Comment: The p.A869T variant (also known as c.2605G>A), located in coding exon 6 of the ALPK3 gene, results from a G to A substitution at nucleotide position 2605. The alanine at codon 869 is replaced by threonine, an amino acid with similar properties. This amino acid position is conserved. In addition, this alteration is predicted to be tolerated by in silico analysis. Since supporting evidence is limited at this time, the clinical significance of this alteration remains unclear.

NM_020778.5(ALPK3):c.1999G>A (p.Ala667Thr)

Gene: ALPK3 (alpha kinase 3; plus strand). Cytogenetic location: 15q25.3.
Variant type: single nucleotide variant.
Coding change: c.1999G>A on transcript NM_020778.5 (MANE Select); coding-DNA position 1999, G replaced by A.
Protein change: p.Ala667Thr; replaces alanine 667 with threonine.
Molecular consequence: missense variant.
Genome position (GRCh38, 1-based): chr15:84,856,737, G>A. VCF-style: chr15-84856737-G-A. GRCh37 (hg19) VCF-style: chr15-85399968-G-A.
Other names: short protein forms A667T.
Identifiers: ClinVar variation 3227459 (VCV003227459.1), dbSNP rs1963866355, ClinGen allele CA393355550.